The following is an entry in ClinVar:

NM_000051.4(ATM):c.2051A>G (p.Gln684Arg)

Gene: ATM (ATM serine/threonine kinase; plus strand). Cytogenetic location: 11q22.3.
Variant type: single nucleotide variant.
Coding change: c.2051A>G on transcript NM_000051.4 (MANE Select); coding-DNA position 2051, A replaced by G.
Protein change: p.Gln684Arg; replaces glutamine 684 with arginine.
Molecular consequence: missense variant.
Genome position (GRCh38, 1-based): chr11:108,253,966, A>G. VCF-style: chr11-108253966-A-G. GRCh37 (hg19) VCF-style: chr11-108124693-A-G.
Other names: c.2051A>G, p.Gln684Arg (NM_001351834.2); c.2051A>G (NM_000051.2); short protein forms Q684R.
Identifiers: ClinVar variation 186816 (VCV000186816.31), dbSNP rs772393149, ClinGen allele CA195956.
Genomic context (GRCh38, chr11:108,253,966, plus strand): 5'-CCATTGTGAGAGAATGTGGTATAGAAAAGCACCAGTCCAGTATTGGCTTCTCTGTCCACC[A>G]GAATCTCAAGGAATCACTGGATCGCTGTCTTCTGGGATTATCAGAACAGCTTCTGAATAA-3'
Protein context (NP_000042.3, residues 674-694): HQSSIGFSVH[Gln684Arg]NLKESLDRCL

ClinVar aggregate classification (germline): Conflicting classifications of pathogenicity. Review status: criteria provided, conflicting classifications (1 of 4 stars). 11 submissions from 11 submitters: Uncertain significance (9); Likely benign (1). 1 of the submissions does not count toward it. Last evaluated 2026-09-10.

Conditions:
Hereditary cancer-predisposing syndrome. Also called: Neoplastic Syndromes, Hereditary; Hereditary Cancer Syndrome; Tumor predisposition; Hereditary neoplastic syndrome. Identifiers: Orphanet 140162, MedGen C0027672, MeSH D009386, MONDO:0015356.
Familial cancer of breast. Also called: Hereditary breast cancer; BREAST CANCER, FAMILIAL; hereditary breast carcinoma. Identifiers: Orphanet 227535, MedGen C0346153, MONDO:0016419, OMIM 114480. Disease mechanism: loss of function.
Ataxia-telangiectasia syndrome (AT). Also called: LOUIS-BAR SYNDROME; Cerebello-oculocutaneous telangiectasia; Immunodeficiency with ataxia telangiectasia; Ataxia-telangiectasia, complementation group D; AT, COMPLEMENTATION GROUP C; Ataxia-telangiectasia, complementation group E. Identifiers: Orphanet 100, MedGen C0004135, MONDO:0008840, OMIM 208900.

Allele frequency attached by ClinVar (database versions not stated): TOPMed 0.00001; gnomAD exomes 0.00002 and 0.00001; ExAC 0.00001; gnomAD 0.00001.
gnomAD v4.1: 11 of 1,614,002 alleles (0.00068%); highest among the groups gnomAD compares: Admixed American, 0.01%; no homozygotes.

Submissions (11):

Ambry Genetics
Classification: Likely benign for Hereditary cancer-predisposing syndrome. Last evaluated: 2026-09-10. Review status: criteria provided, single submitter. Criteria: Ambry Variant Classification Scheme 2023. Collection method: clinical testing. Allele origin: germline.

Labcorp Genetics (formerly Invitae), Labcorp
Classification: Uncertain significance for Ataxia-telangiectasia syndrome. Last evaluated: 2025-11-18. Review status: criteria provided, single submitter. Criteria: Invitae Variant Classification Sherloc (09022015). Collection method: clinical testing. Allele origin: germline.
Comment: This sequence change replaces glutamine, which is neutral and polar, with arginine, which is basic and polar, at codon 684 of the ATM protein (p.Gln684Arg). This variant is present in population databases (rs772393149, gnomAD 0.01%). This variant has not been reported in the literature in individuals affected with ATM-related conditions. ClinVar contains an entry for this variant (Variation ID: 186816). Invitae Evidence Modeling of protein sequence and biophysical properties (such as structural, functional, and spatial information, amino acid conservation, physicochemical variation, residue mobility, and thermodynamic stability) indicates that this missense variant is not expected to disrupt ATM protein function with a negative predictive value of 95%. In summary, the available evidence is currently insufficient to determine the role of this variant in disease. Therefore, it has been classified as a Variant of Uncertain Significance.

Catlab - Consorci Sanitari de Terrassa
Classification: Uncertain significance for Hereditary cancer-predisposing syndrome. Last evaluated: 2025-05-21. Review status: criteria provided, single submitter. Criteria: ClinGen HBOP ACMG Specifications ATM Version1_3. Collection method: clinical testing. Allele origin: germline.
Comment: Based on the currently available information, this variant is classified as Variant of Uncertain Significance according to ClinGen-ATM v1.3.0 guidelines. ACMG criteria: BP4_mod.

Quest Diagnostics Nichols Institute San Juan Capistrano
Classification: Uncertain significance. Last evaluated: 2025-02-06. Review status: criteria provided, single submitter. Criteria: Quest Diagnostics criteria. Collection method: clinical testing. Allele origin: unknown.

Color Diagnostics, LLC DBA Color Health
Classification: Uncertain significance for Hereditary cancer-predisposing syndrome. Last evaluated: 2024-12-24. Review status: criteria provided, single submitter. Criteria: ACMG Guidelines, 2015. Collection method: clinical testing. Allele origin: germline.
Comment: This missense variant replaces glutamine with arginine at codon 684 of the ATM protein. Computational prediction suggests that this variant may not impact protein structure and function. To our knowledge, functional studies have not been reported for this variant. This variant has been reported in one unaffected individual and absent in cases in a breast cancer case-control study (PMID: 31206626). This variant has been identified in 4/251386 chromosomes in the general population by the Genome Aggregation Database (gnomAD). The available evidence is insufficient to determine the role of this variant in disease conclusively. Therefore, this variant is classified as a Variant of Uncertain Significance.

Blueprint Genetics
Classification: Uncertain significance. Last evaluated: 2024-10-23. Review status: criteria provided, single submitter. Criteria: ACMG Guidelines, 2015. Collection method: clinical testing. Allele origin: germline.

Baylor Genetics
Classification: Uncertain significance for Familial cancer of breast. Last evaluated: 2023-10-06. Review status: criteria provided, single submitter. Criteria: ACMG Guidelines, 2015. Collection method: clinical testing. Allele origin: unknown.

Department of Pathology and Laboratory Medicine, Sinai Health System
Classification: Uncertain significance for Familial cancer of breast. Last evaluated: 2022-07-25. Review status: criteria provided, single submitter. Criteria: ACMG Guidelines, 2015. Collection method: clinical testing. Allele origin: germline. Affected: yes.

Women's Health and Genetics/Laboratory Corporation of America, LabCorp
Classification: Uncertain significance. Last evaluated: 2022-01-03. Review status: criteria provided, single submitter. Criteria: LabCorp Variant Classification Summary - May 2015. Collection method: clinical testing. Allele origin: germline.
Comment: Variant summary: ATM c.2051A>G (p.Gln684Arg) results in a conservative amino acid change in the encoded protein sequence. Four of five in-silico tools predict a benign effect of the variant on protein function. The variant allele was found at a frequency of 1.6e-05 in 251386 control chromosomes (gnomAD). The available data on variant occurrences in the general population are insufficient to allow any conclusion about variant significance. c.2051A>G has not been reported in the literature in individuals affected with Breast Cancer. Co-occurrence with a pathogenic variant has been reported (BRCA2 c.1310_1313delAAGA, p.K437fs*22), providing supporting evidence for a benign role. To our knowledge, no experimental evidence demonstrating an impact on protein function has been reported. Four clinical diagnostic laboratories have submitted clinical-significance assessments for this variant to ClinVar after 2014 and all laboratories classified the variant as uncertain significance. Based on the evidence outlined above, the variant was classified as uncertain significance.

GeneDx
Classification: Uncertain significance. Last evaluated: 2016-08-29. Review status: criteria provided, single submitter. Criteria: GeneDx Variant Classification (06012015). Collection method: clinical testing. Allele origin: germline. Affected: yes.
Comment: This variant is denoted ATM c.2051A>G at the cDNA level, p.Gln684Arg (Q684R) at the protein level, and results in the change of a Glutamine to an Arginine (CAG>CGG). This variant has not, to our knowledge, been published in the literature as pathogenic or benign. ATM Gln684Arg was not observed in approximately 6,500 individuals of European and African American ancestry in the NHLBI Exome Sequencing Project, suggesting it is not a common benign variant in these populations. Since Glutamine and Arginine differ in some properties, this is considered a semi-conservative amino acid substitution. ATM Gln684Arg occurs at a position that is not conserved and is not located in a known functional domain (Tavtigian 2009, Stracker 2013). In silico analyses are inconsistent regarding the effect this variant may have on protein structure and function. Based on currently available evidence, it is unclear whether ATM Gln684Arg is a pathogenic or benign variant. We consider it to be a variant of uncertain significance.

Natera, Inc.
Classification: Uncertain significance for Ataxia-telangiectasia. Last evaluated: 2021-05-19. Review status: no assertion criteria provided. Collection method: clinical testing. Allele origin: germline. Not counted in ClinVar's aggregate classification.

Literature cited by the submitters: PubMed 31206626 (cited by 4 submitters); PubMed 40580951 (cited by Ambry Genetics).